The following is an entry in ClinVar:

ClinVar aggregate classification (germline): Pathogenic/Likely pathogenic. Review status: criteria provided, multiple submitters, no conflicts (2 of 4 stars). 2 submissions from 2 submitters: Pathogenic (1); Likely pathogenic (1). Last evaluated 2024-08-21.

Conditions:
Lynch syndrome 5 (LYNCH5). Also called: Colorectal cancer, hereditary nonpolyposis, type 5; Hereditary non-polyposis colorectal cancer, type 5. Identifiers: Orphanet 144, MedGen C1833477, MONDO:0013710, OMIM 614350. Disease mechanism: loss of function.

Submissions (2):

Quest Diagnostics Nichols Institute San Juan Capistrano
Classification: Likely pathogenic. Last evaluated: 2024-08-21. Review status: criteria provided, single submitter. Criteria: Quest Diagnostics criteria. Collection method: clinical testing. Allele origin: unknown.
Comment: The MSH6 c.2811T>A (p.Tyr937*) variant is predicted to cause the premature termination of MSH6 protein synthesis. This variant has not been reported in individuals with MSH6-related conditions in the published literature. This variant has not been reported in large, multi-ethnic general populations (Genome Aggregation Database). Based on the available information, this variant is classified as likely pathogenic.

Myriad Genetics, Inc.
Classification: Pathogenic for Lynch syndrome 5. Last evaluated: 2023-08-21. Review status: criteria provided, single submitter. Criteria: Myriad Autosomal Dominant, Autosomal Recessive and X-Linked Classification Criteria (2023). Collection method: clinical testing. Allele origin: unknown.
Comment: This variant is considered pathogenic. This variant creates a termination codon and is predicted to result in premature protein truncation.

NM_000179.3(MSH6):c.2811T>A (p.Tyr937Ter)

Gene: MSH6 (mutS homolog 6; plus strand). Cytogenetic location: 2p16.3.
Variant type: single nucleotide variant.
Coding change: c.2811T>A on transcript NM_000179.3 (MANE Select); coding-DNA position 2811, T replaced by A.
Protein change: p.Tyr937Ter; replaces tyrosine 937 with a stop codon.
Molecular consequence: nonsense. On other transcripts: non-coding transcript variant (5), intron variant (2).
Genome position (GRCh38, 1-based): chr2:47,800,794, T>A. VCF-style: chr2-47800794-T-A. GRCh37 (hg19) VCF-style: chr2-48027933-T-A.
Other names: c.2421T>A, p.Tyr807Ter (NM_001281492.2); c.1905T>A, p.Tyr635Ter (NM_001281493.2, NM_001281494.2, NM_001406811.1 and 6 more transcripts); c.2907T>A, p.Tyr969Ter (NM_001406795.1, NM_001406802.1); c.2811T>A, p.Tyr937Ter (NM_001406796.1, NM_001406798.1, NM_001406800.1 and 2 more transcripts); c.2514T>A, p.Tyr838Ter (NM_001406797.1, NM_001406801.1, NM_001406805.1 and 10 more transcripts); c.2286T>A, p.Tyr762Ter (NM_001406799.1, NM_001406806.1, NM_001406807.1); c.2733T>A, p.Tyr911Ter (NM_001406804.1); c.2817T>A, p.Tyr939Ter (NM_001406813.1); and 4 more; short protein forms Y252*, Y635*, Y762*, Y807*, Y838*, Y881*, Y911*, Y937*.
Identifiers: ClinVar variation 2673634 (VCV002673634.2), dbSNP rs1572728785, ClinGen allele CA346755626.